The following is an entry in ClinVar:

ClinVar aggregate classification (germline): Uncertain significance (1 of 4 stars; one submission).

Submission:

Labcorp Genetics (formerly Invitae), Labcorp
Classification: Uncertain significance. Last evaluated: 2022-08-22. Review status: criteria provided, single submitter. Criteria: Invitae Variant Classification Sherloc (09022015). Collection method: clinical testing. Allele origin: germline.
Comment: In summary, the available evidence is currently insufficient to determine the role of this variant in disease. Therefore, it has been classified as a Variant of Uncertain Significance. Algorithms developed to predict the effect of missense changes on protein structure and function are either unavailable or do not agree on the potential impact of this missense change (SIFT: "Tolerated"; PolyPhen-2: "Not Available"; Align-GVGD: "Class C0"). This variant has not been reported in the literature in individuals affected with SRCAP-related conditions. This variant is not present in population databases (gnomAD no frequency). This sequence change replaces threonine, which is neutral and polar, with serine, which is neutral and polar, at codon 2953 of the SRCAP protein (p.Thr2953Ser).

NM_006662.3(SRCAP):c.8857A>T (p.Thr2953Ser)

Gene: SRCAP (Snf2 related CREBBP activator protein; plus strand). Cytogenetic location: 16p11.2.
Variant type: single nucleotide variant.
Coding change: c.8857A>T on transcript NM_006662.3 (MANE Select); coding-DNA position 8857, A replaced by T.
Protein change: p.Thr2953Ser; replaces threonine 2953 with serine.
Molecular consequence: missense variant.
Genome position (GRCh38, 1-based): chr16:30,738,897, A>T. VCF-style: chr16-30738897-A-T. GRCh37 (hg19) VCF-style: chr16-30750218-A-T.
Other names: short protein forms T2953S.
Identifiers: ClinVar variation 1717543 (VCV001717543.5), dbSNP rs1314911843, ClinGen allele CA395641392.